The following is an entry in ClinVar:

NM_001128178.3(NPHP1):c.144-6A>G

Gene: NPHP1 (nephrocystin 1; minus strand). Cytogenetic location: 2q13.
Variant type: single nucleotide variant.
Coding change: c.144-6A>G on transcript NM_001128178.3 (MANE Select); 6 bases into the intron before coding-DNA position 144, A replaced by G.
Molecular consequence: intron variant.
Genome position (GRCh38, 1-based): chr2:110,179,690, T>C on the plus strand (A>G on the coding strand, the complement: NPHP1 is on the minus strand). VCF-style: chr2-110179690-T-C. GRCh37 (hg19) VCF-style: chr2-110937267-T-C.
Other names: c.144-9692A>G (NM_001128179.3); c.144-6A>G (NM_001374256.1, NM_001374257.1, NM_207181.4 and 1 more transcripts).
Identifiers: ClinVar variation 1422213 (VCV001422213.6), dbSNP rs2104616583, ClinGen allele CA2573133142.

ClinVar aggregate classification (germline): Uncertain significance (1 of 4 stars; one submission).

Conditions:
Nephronophthisis. Also called: Juvenile Nephronophthisis. Identifiers: Orphanet 655, MedGen C0687120, MONDO:0019005, HP:0000090.

Submission:

Labcorp Genetics (formerly Invitae), Labcorp
Classification: Uncertain significance for Nephronophthisis. Last evaluated: 2021-10-21. Review status: criteria provided, single submitter. Criteria: Invitae Variant Classification Sherloc (09022015). Collection method: clinical testing. Allele origin: germline.
Comment: This sequence change falls in intron 2 of the NPHP1 gene. It does not directly change the encoded amino acid sequence of the NPHP1 protein. This variant is not present in population databases (gnomAD no frequency). This variant has not been reported in the literature in individuals affected with NPHP1-related conditions. In summary, the available evidence is currently insufficient to determine the role of this variant in disease. Therefore, it has been classified as a Variant of Uncertain Significance. Algorithms developed to predict the effect of sequence changes on RNA splicing suggest that this variant may disrupt the consensus splice site.